The following is an entry in ClinVar:

ClinVar aggregate classification (germline): Pathogenic. Review status: criteria provided, multiple submitters, no conflicts (2 of 4 stars). 2 submissions from 2 submitters: Pathogenic (2). Last evaluated 2024-04-04.

Conditions:
Vanishing white matter disease. Also called: CACH syndrome; Childhood ataxia with diffuse central nervous system hypomyelination; Leukoencephalopathy with vanishing white matter; CACH/VWM syndrome; Cree leukoencehalopathy. Identifiers: Orphanet 135, Orphanet 99853, MedGen C1858991, MONDO:0800448.
Hypotonia. Also called: Muscular hypotonia; poor muscle tone. Identifiers: MedGen C0026827, HP:0001252.
Intellectual disability. Also called: Intellectual functioning disability; Intellectual developmental disorder; intellectual disabilities. Identifiers: MedGen C3714756, MeSH D008607, MONDO:0001071, HP:0001249.
Microcephaly 16, primary, autosomal recessive (MCPH16). Identifiers: Orphanet 2512, MedGen C4225249, MONDO:0014730, OMIM 616681.

Allele frequency attached by ClinVar (database versions not stated): gnomAD exomes 0.00001 and below 0.00001; TOPMed 0.00001.

Submissions (2):

Genomic Medicine Center of Excellence, King Faisal Specialist Hospital and Research Centre
Classification: Pathogenic for Microcephaly 16, primary, autosomal recessive. Last evaluated: 2024-04-04. Review status: criteria provided, single submitter. Criteria: ACMG Guidelines, 2015. Collection method: clinical testing. Allele origin: germline.

Center for Statistical Genetics, Columbia University
Classification: Pathogenic for intellectual disability; hypotonia; vanishing white matter disease. Last evaluated: 2020-05-29. Review status: criteria provided, single submitter. Criteria: ACMG Guidelines, 2015. Collection method: research. Allele origin: de novo. Inheritance: Autosomal dominant inheritance. Affected: yes.
Comment: De novo variant

NM_015114.3(ANKLE2):c.1870C>T (p.Arg624Ter)

Gene: ANKLE2 (ankyrin repeat and LEM domain containing 2; minus strand). Cytogenetic location: 12q24.33.
Variant type: single nucleotide variant.
Coding change: c.1870C>T on transcript NM_015114.3 (MANE Select); coding-DNA position 1870, C replaced by T.
Protein change: p.Arg624Ter; replaces arginine 624 with a stop codon.
Molecular consequence: nonsense.
Genome position (GRCh38, 1-based): chr12:132,734,406, G>A on the plus strand (C>T on the coding strand, the complement: ANKLE2 is on the minus strand). VCF-style: chr12-132734406-G-A. GRCh37 (hg19) VCF-style: chr12-133310992-G-A.
Other names: short protein forms R624*.
Identifiers: ClinVar variation 930179 (VCV000930179.2), dbSNP rs1380982250, ClinGen allele CA387352395.